The following is an entry in ClinVar:

NM_000059.4(BRCA2):c.8799_8800delinsAA (p.Gln2934Lys)

Gene: BRCA2 (BRCA2 DNA repair associated; plus strand). Cytogenetic location: 13q13.1.
Variant type: Indel.
Coding change: c.8799_8800delinsAA on transcript NM_000059.4 (MANE Select); coding-DNA positions 8799 to 8800, GC replaced by AA.
Protein change: p.Gln2934Lys; replaces glutamine 2934 with lysine.
Molecular consequence: missense variant.
Genome position (GRCh38, 1-based): chr13:32,379,361-32,379,362, GC replaced by AA. VCF-style: chr13-32379361-GC-AA. GRCh37 (hg19) VCF-style: chr13-32953498-GC-AA.
Other names: c.8799_8800delGCinsAA (NM_000059.3); short protein forms Q2934K.
Identifiers: ClinVar variation 581007 (VCV000581007.7), dbSNP rs1566252577, ClinGen allele CA891843578.

ClinVar aggregate classification (germline): Uncertain significance (1 of 4 stars; one submission).

Conditions:
Hereditary breast ovarian cancer syndrome. Also called: Hereditary breast and ovarian cancer syndrome; Hereditary breast and ovarian cancer syndrome (HBOC); BRCA1- and BRCA2-Associated Hereditary Breast and Ovarian Cancer; Hereditary breast and/or ovarian cancer syndrome; Hereditary breast and ovarian cancer; Breast and ovarian cancer. Identifiers: Orphanet 145, MedGen C0677776, MeSH D061325, MONDO:0003582. Disease mechanism: loss of function.

Submission:

Labcorp Genetics (formerly Invitae), Labcorp
Classification: Uncertain significance for Hereditary breast ovarian cancer syndrome. Last evaluated: 2024-07-12. Review status: criteria provided, single submitter. Criteria: Invitae Variant Classification Sherloc (09022015). Collection method: clinical testing. Allele origin: germline.
Comment: This sequence change replaces glutamine, which is neutral and polar, with lysine, which is basic and polar, at codon 2934 of the BRCA2 protein (p.Gln2934Lys). Information on the frequency of this variant in the gnomAD database is not available, as this variant may be reported differently in the database. This variant has not been reported in the literature in individuals affected with BRCA2-related conditions. ClinVar contains an entry for this variant (Variation ID: 581007). Experimental studies and prediction algorithms are not available or were not evaluated, and the functional significance of this variant is currently unknown. In summary, the available evidence is currently insufficient to determine the role of this variant in disease. Therefore, it has been classified as a Variant of Uncertain Significance.